The following is an entry in ClinVar:

ClinVar aggregate classification (germline): Likely benign. Review status: criteria provided, multiple submitters, no conflicts (2 of 4 stars). 4 submissions from 4 submitters: Likely benign (4). Last evaluated 2025-05-25.

Conditions:
Familial thoracic aortic aneurysm and aortic dissection (TAAD). Also called: Thoracic aortic aneurysms and dissections. Identifiers: Orphanet 91387, MedGen C4707243, MONDO:0019625.
Aortic aneurysm, familial thoracic 4 (AAT4). Also called: AORTIC ANEURYSM/AORTIC DISSECTION AND PATENT DUCTUS ARTERIOSUS. Identifiers: MedGen C1851504, MONDO:0007568, OMIM 132900.

Allele frequency attached by ClinVar (database versions not stated): gnomAD exomes below 0.00001; TOPMed 0.00001; gnomAD 0.00002.
gnomAD v4.1: 5 of 1,614,036 alleles (0.00031%); highest among the groups gnomAD compares: African/African-American, 0.0013%; no homozygotes.

Submissions (4):

Labcorp Genetics (formerly Invitae), Labcorp
Classification: Likely benign for Aortic aneurysm, familial thoracic 4. Last evaluated: 2025-05-25. Review status: criteria provided, single submitter. Criteria: Invitae Variant Classification Sherloc (09022015). Collection method: clinical testing. Allele origin: germline.

All of Us Research Program, National Institutes of Health
Classification: Likely benign for Familial thoracic aortic aneurysm and aortic dissection. Last evaluated: 2023-08-15. Review status: criteria provided, single submitter. Criteria: ACMG Guidelines, 2015. Collection method: clinical testing. Allele origin: germline. Inheritance: Autosomal dominant inheritance. Observed: 1 variant allele, 1 heterozygote.
Comment: This study involves interpretation of variants in research participants for the purpose of population health screening. Participant phenotype was not available at the time of variant classification. Additional details can be found in publication PMID: 35346344, PMCID: PMC8962531

Ambry Genetics
Classification: Likely benign for Familial thoracic aortic aneurysm and aortic dissection. Last evaluated: 2019-06-04. Review status: criteria provided, single submitter. Criteria: Ambry Variant Classification Scheme 2023. Collection method: clinical testing. Allele origin: germline.

Color Diagnostics, LLC DBA Color Health
Classification: Likely benign for Familial thoracic aortic aneurysm and aortic dissection. Last evaluated: 2018-10-08. Review status: criteria provided, single submitter. Criteria: ACMG Guidelines, 2015. Collection method: clinical testing. Allele origin: germline.

NM_002474.3(MYH11):c.1815C>A (p.Ser605=)

Gene: MYH11 (myosin heavy chain 11; minus strand). Cytogenetic location: 16p13.11.
Variant type: single nucleotide variant.
Coding change: c.1815C>A on transcript NM_002474.3 (MANE Select); coding-DNA position 1815, C replaced by A.
Protein change: p.Ser605=; no amino-acid change (serine 605 retained).
Molecular consequence: synonymous variant.
Genome position (GRCh38, 1-based): chr16:15,753,443, G>T on the plus strand (C>A on the coding strand, the complement: MYH11 is on the minus strand). VCF-style: chr16-15753443-G-T. GRCh37 (hg19) VCF-style: chr16-15847300-G-T.
Other names: c.1836C>A, p.Ser612= (NM_001040113.2, NM_001040114.2); c.1815C>A, p.Ser605= (NM_022844.3).
Identifiers: ClinVar variation 629456 (VCV000629456.12), dbSNP rs1157469426, ClinGen allele CA493793196.